The following is an entry in ClinVar:

NM_001385012.1(NBEA):c.5435C>A (p.Thr1812Asn)

Gene: NBEA (neurobeachin; plus strand). Cytogenetic location: 13q13.3.
Variant type: single nucleotide variant.
Coding change: c.5435C>A on transcript NM_001385012.1 (MANE Select); coding-DNA position 5435, C replaced by A.
Protein change: p.Thr1812Asn; replaces threonine 1812 with asparagine.
Molecular consequence: missense variant.
Genome position (GRCh38, 1-based): chr13:35,208,768, C>A. VCF-style: chr13-35208768-C-A. GRCh37 (hg19) VCF-style: chr13-35782905-C-A.
Other names: p.Thr1812Asn; c.5426C>A, p.Thr1809Asn (NM_001379245.1); c.5435C>A, p.Thr1812Asn (NM_015678.5); c.5435C>A (NM_015678.4); short protein forms T1809N, T1812N.
Identifiers: ClinVar variation 2643752 (VCV002643752.25), dbSNP rs200695994, ClinGen allele CA6947100.

ClinVar aggregate classification (germline): Conflicting classifications of pathogenicity. Review status: criteria provided, conflicting classifications (1 of 4 stars). 2 submissions from 2 submitters: Uncertain significance (1); Likely benign (1). Last evaluated 2026-04-01.

Allele frequency attached by ClinVar (database versions not stated): ExAC 0.00017; ESP Exome Variant Server 0.00017; gnomAD 0.00022; TOPMed 0.00028; gnomAD exomes 0.00034.
gnomAD v4.1: 542 of 1,611,756 alleles (0.034%); highest among the groups gnomAD compares: Admixed American, 0.042%; 1 homozygote.

Submissions (2):

CeGaT Center for Human Genetics Tuebingen
Classification: Likely benign. Last evaluated: 2026-04-01. Review status: criteria provided, single submitter. Criteria: CeGaT Center For Human Genetics Tuebingen Variant Classification Criteria Version 2. Collection method: clinical testing. Allele origin: germline. Affected: yes. Observed: 2 variant alleles.
Comment: NBEA: BP4, BS2

Mayo Clinic Laboratories, Mayo Clinic
Classification: Uncertain significance. Last evaluated: 2024-04-18. Review status: criteria provided, single submitter. Criteria: ACMG Guidelines, 2015. Collection method: clinical testing. Allele origin: germline. Observed: 1 variant allele.
Comment: BP4, PP2